The following is an entry in ClinVar:

ClinVar aggregate classification (germline): Benign/Likely benign. Review status: criteria provided, single submitter (1 of 4 stars). 2 submissions from 1 submitter: Benign (1); Likely benign (1). Last evaluated 2018-01-12.

Conditions:
Fibromatosis, gingival, 1 (GINGF1). Identifiers: Orphanet 2024, MedGen C4551558, MONDO:0007609, OMIM 135300.
Noonan syndrome 4 (NS4). Also called: SOS1-Related Noonan Syndrome; NOONAN SYNDROME WITH PIGMENTED VILLONODULAR SYNOVITIS. Identifiers: Orphanet 648, MedGen C1853120, MONDO:0012547, OMIM 610733.

Allele frequency attached by ClinVar (database versions not stated): gnomAD 0.00008 and 0.00009; TOPMed 0.00013; 1000 Genomes Project 30x 0.00031; 1000 Genomes Project 0.00040.
gnomAD v4.1: 13 of 151,928 alleles (0.0086%); highest among the groups gnomAD compares: East Asian, 0.25%; no homozygotes.

Submissions (2):

Illumina Laboratory Services, Illumina
Classification: Likely benign for Noonan syndrome 4. Last evaluated: 2018-01-12. Review status: criteria provided, single submitter. Criteria: ICSL Variant Classification Criteria 13 December 2019. Collection method: clinical testing. Allele origin: germline.
Comment: This variant was observed in the ICSL laboratory as part of a predisposition screen in an ostensibly healthy population. It had not been previously curated by ICSL or reported in the Human Gene Mutation Database (HGMD: prior to June 1st, 2018), and was therefore a candidate for classification through an automated scoring system. Utilizing variant allele frequency, disease prevalence and penetrance estimates, and inheritance mode, an automated score was calculated to assess if this variant is too frequent to cause the disease. Based on the score and internal cut-off values, a variant classified as likely benign is not then subjected to further curation. The score for this variant resulted in a classification of likely benign for this disease.

Illumina Laboratory Services, Illumina
Classification: Benign for Fibromatosis, gingival, 1. Last evaluated: 2018-01-12. Review status: criteria provided, single submitter. Criteria: ICSL Variant Classification Criteria 13 December 2019. Collection method: clinical testing. Allele origin: germline.
Comment: This variant was observed in the ICSL laboratory as part of a predisposition screen in an ostensibly healthy population. It had not been previously curated by ICSL or reported in the Human Gene Mutation Database (HGMD: prior to June 1st, 2018), and was therefore a candidate for classification through an automated scoring system. Utilizing variant allele frequency, disease prevalence and penetrance estimates, and inheritance mode, an automated score was calculated to assess if this variant is too frequent to cause the disease. Based on the score and internal cut-off values, a variant classified as benign is not then subjected to further curation. The score for this variant resulted in a classification of benign for this disease.

NM_005633.4(SOS1):c.*4221C>T

Gene: SOS1 (SOS Ras/Rac guanine nucleotide exchange factor 1; minus strand). Cytogenetic location: 2p22.1.
Variant type: single nucleotide variant.
Coding change: c.*4221C>T on transcript NM_005633.4 (MANE Select); 4221 bases downstream of the stop codon, C replaced by T.
Molecular consequence: 3 prime UTR variant.
Genome position (GRCh38, 1-based): chr2:38,981,603, G>A on the plus strand (C>T on the coding strand, the complement: SOS1 is on the minus strand). VCF-style: chr2-38981603-G-A. GRCh37 (hg19) VCF-style: chr2-39208744-G-A.
Other names: c.*4221C>T (NM_001382394.1, NM_001382395.1).
Identifiers: ClinVar variation 335964 (VCV000335964.5), dbSNP rs565544523, ClinGen allele CA10613793.